The following is an entry in ClinVar:

ClinVar aggregate classification (germline): Uncertain significance (1 of 4 stars; one submission).

Conditions:
Ehlers-Danlos syndrome, type 4 (EDSVASC). Also called: Ehlers-Danlos Syndrome Type IV; Ehlers-Danlos syndrome vascular type; Ehlers Danlos syndrome, ecchymotic type; Ehlers Danlos syndrome, arterial type; Ehlers Danlos syndrome, Sack-Barabas type. Identifiers: Orphanet 286, MedGen C0268338, MONDO:0017314, OMIM 130050.

Submission:

All of Us Research Program, National Institutes of Health
Classification: Uncertain significance for Ehlers-Danlos syndrome, type 4. Last evaluated: 2023-06-28. Review status: criteria provided, single submitter. Criteria: ACMG Guidelines, 2015. Collection method: clinical testing. Allele origin: germline. Inheritance: Autosomal dominant inheritance. Observed: 1 variant allele, 1 heterozygote.
Comment: This study involves interpretation of variants in research participants for the purpose of population health screening. Participant phenotype was not available at the time of variant classification. Additional details can be found in publication PMID: 35346344, PMCID: PMC8962531

NM_000090.4(COL3A1):c.2939G>C (p.Ser980Thr)

Gene: COL3A1 (collagen type III alpha 1 chain; plus strand). Cytogenetic location: 2q32.2.
Variant type: single nucleotide variant.
Coding change: c.2939G>C on transcript NM_000090.4 (MANE Select); coding-DNA position 2939, G replaced by C.
Protein change: p.Ser980Thr; replaces serine 980 with threonine.
Molecular consequence: missense variant.
Genome position (GRCh38, 1-based): chr2:189,005,357, G>C. VCF-style: chr2-189005357-G-C. GRCh37 (hg19) VCF-style: chr2-189870083-G-C.
Other names: short protein forms S980T.
Identifiers: ClinVar variation 3072102 (VCV003072102.1), dbSNP rs2469156236, ClinGen allele CA349844688.